The following is an entry in ClinVar:

ClinVar aggregate classification (germline): Uncertain significance. Review status: criteria provided, multiple submitters, no conflicts (2 of 4 stars). 3 submissions from 3 submitters: Uncertain significance (3). Last evaluated 2023-11-17.

Conditions:
Cardiovascular phenotype. Identifiers: MedGen CN230736.
Hypertrophic cardiomyopathy. Also called: HYPERTROPHIC MYOCARDIOPATHY. Identifiers: Orphanet 217569, MedGen C0007194, MeSH D002312, MONDO:0005045, HP:0001639.

Submissions (3):

Labcorp Genetics (formerly Invitae), Labcorp
Classification: Uncertain significance for Hypertrophic cardiomyopathy. Last evaluated: 2023-11-17. Review status: criteria provided, single submitter. Criteria: Invitae Variant Classification Sherloc (09022015). Collection method: clinical testing. Allele origin: germline.
Comment: This sequence change replaces isoleucine, which is neutral and non-polar, with valine, which is neutral and non-polar, at codon 154 of the MYH7 protein (p.Ile154Val). This variant is not present in population databases (gnomAD no frequency). This variant has not been reported in the literature in individuals affected with MYH7-related conditions. ClinVar contains an entry for this variant (Variation ID: 181306). Advanced modeling of protein sequence and biophysical properties (such as structural, functional, and spatial information, amino acid conservation, physicochemical variation, residue mobility, and thermodynamic stability) performed at Invitae indicates that this missense variant is expected to disrupt MYH7 protein function with a positive predictive value of 80%. In summary, the available evidence is currently insufficient to determine the role of this variant in disease. Therefore, it has been classified as a Variant of Uncertain Significance.

Ambry Genetics
Classification: Uncertain significance for Cardiovascular phenotype. Last evaluated: 2019-06-05. Review status: criteria provided, single submitter. Criteria: Ambry Variant Classification Scheme 2023. Collection method: clinical testing. Allele origin: germline.
Comment: The p.I154V variant (also known as c.460A>G), located in coding exon 3 of the MYH7 gene, results from an A to G substitution at nucleotide position 460. The isoleucine at codon 154 is replaced by valine, an amino acid with highly similar properties. This amino acid position is highly conserved in available vertebrate species. In addition, the in silico prediction for this alteration is inconclusive. Since supporting evidence is limited at this time, the clinical significance of this alteration remains unclear.

GeneDx
Classification: Uncertain significance. Last evaluated: 2013-07-17. Review status: criteria provided, single submitter. Criteria: GeneDx Variant Classification (06012015). Collection method: clinical testing. Allele origin: germline. Affected: yes.
Comment: p.Ile154Val (ATC>GTC): c.460 A>G in exon 5 of the MYH7 gene (NM_000257.2). The Ile154Val variant in the MYH7 gene has not been reported as a disease-causing mutation or as a benign polymorphism to our knowledge. Ile154Val results in a conservative amino acid substitution of one non-polar amino acid with another at a position that is conserved across species. Mutations in nearby residues (Ser148Ile, Tyr162Cys) have been reported in association with HCM, further supporting the functional importance of this region of the protein. The Ile154Val variant was not observed in approximately 6,500 individuals of European and African American ancestry in the NHLBI Exome Sequencing Project, indicating it is not a common benign variant in these populations. With the clinical and molecular information available at this time, we cannot definitively determine if Ile154Val is a disease-causing mutation or a rare benign variant. The variant is found in HCM panel(s).

NM_000257.4(MYH7):c.460A>G (p.Ile154Val)

Gene: MYH7 (myosin heavy chain 7; minus strand). Cytogenetic location: 14q11.2.
Variant type: single nucleotide variant.
Coding change: c.460A>G on transcript NM_000257.4 (MANE Select); coding-DNA position 460, A replaced by G.
Protein change: p.Ile154Val; replaces isoleucine 154 with valine.
Molecular consequence: missense variant.
Genome position (GRCh38, 1-based): chr14:23,432,681, T>C on the plus strand (A>G on the coding strand, the complement: MYH7 is on the minus strand). VCF-style: chr14-23432681-T-C. GRCh37 (hg19) VCF-style: chr14-23901890-T-C.
Other names: p.I154V:ATC>GTC; c.460A>G (LRG_384t1); short protein forms I154V.
Identifiers: ClinVar variation 181306 (VCV000181306.9), dbSNP rs730880838, ClinGen allele CA015148.